The following is an entry in ClinVar:

NM_003466.4(PAX8):c.191G>T (p.Arg64Met)

Genes: PAX8 (paired box 8; minus strand), PAX8-AS1 (PAX8 antisense RNA 1; plus strand). Cytogenetic location: 2q14.1.
Variant type: single nucleotide variant.
Coding change: c.191G>T on transcript NM_003466.4 (MANE Select); coding-DNA position 191, G replaced by T.
Protein change: p.Arg64Met; replaces arginine 64 with methionine.
Molecular consequence: missense variant.
Genome position (GRCh38, 1-based): chr2:113,246,754, C>A on the plus strand (G>T on the coding strand, the complement: PAX8 is on the minus strand). VCF-style: chr2-113246754-C-A. GRCh37 (hg19) VCF-style: chr2-114004331-C-A.
Other names: c.191G>T, p.Arg64Met (NM_013952.4, NM_013953.4, NM_013992.4); short protein forms R64M.
Identifiers: ClinVar variation 4688147 (VCV004688147.1).

ClinVar aggregate classification (germline): Uncertain significance (1 of 4 stars; one submission).

Conditions:
Hypothyroidism, congenital, nongoitrous, 2 (CHNG2). Also called: Hypothyroidism, congenital, due to thyroid dysgenesis or hypoplasia. Identifiers: Orphanet 95712, MedGen C1869118, MONDO:0024264, OMIM 218700.

Submission:

MVZ Medizinische Genetik Mainz
Classification: Uncertain significance for Hypothyroidism, congenital, nongoitrous, 2. Last evaluated: 2025-12-22. Review status: criteria provided, single submitter. Criteria: UK Practice Guidelines For Variant Classification V4 01 2020. Collection method: clinical testing. Allele origin: germline. Inheritance: Autosomal dominant inheritance. Affected: yes. Observed: 1 variant allele.
Comment: ACMG Criteria: PP3_STR,PM2_SUP